The following is an entry in ClinVar:

ClinVar aggregate classification (germline): Uncertain significance (1 of 4 stars; one submission).

Allele frequency attached by ClinVar (database versions not stated): gnomAD exomes 0.00001; ExAC 0.00003.
gnomAD v4.1: 9 of 1,612,228 alleles (0.00056%); highest among the groups gnomAD compares: Middle Eastern, 0.017%; 1 homozygote.

Submission:

Labcorp Genetics (formerly Invitae), Labcorp
Classification: Uncertain significance. Last evaluated: 2023-03-14. Review status: criteria provided, single submitter. Criteria: Invitae Variant Classification Sherloc (09022015). Collection method: clinical testing. Allele origin: germline.
Comment: In summary, the available evidence is currently insufficient to determine the role of this variant in disease. Therefore, it has been classified as a Variant of Uncertain Significance. Algorithms developed to predict the effect of missense changes on protein structure and function output the following: SIFT: "Not Available"; PolyPhen-2: "Benign"; Align-GVGD: "Not Available". The isoleucine amino acid residue is found in multiple mammalian species, which suggests that this missense change does not adversely affect protein function. This variant has not been reported in the literature in individuals affected with DNAH9-related conditions. This variant is present in population databases (rs762211534, gnomAD 0.01%). This sequence change replaces valine, which is neutral and non-polar, with isoleucine, which is neutral and non-polar, at codon 2807 of the DNAH9 protein (p.Val2807Ile).

NM_001372.4(DNAH9):c.8419G>A (p.Val2807Ile)

Gene: DNAH9 (dynein axonemal heavy chain 9; plus strand). Cytogenetic location: 17p12.
Variant type: single nucleotide variant.
Coding change: c.8419G>A on transcript NM_001372.4 (MANE Select); coding-DNA position 8419, G replaced by A.
Protein change: p.Val2807Ile; replaces valine 2807 with isoleucine.
Molecular consequence: missense variant.
Genome position (GRCh38, 1-based): chr17:11,797,792, G>A. VCF-style: chr17-11797792-G-A. GRCh37 (hg19) VCF-style: chr17-11701109-G-A.
Other names: short protein forms V2807I.
Identifiers: ClinVar variation 2978224 (VCV002978224.3), dbSNP rs762211534, ClinGen allele CA8396908.